The following is an entry in ClinVar:

ClinVar aggregate classification (germline): Uncertain significance (1 of 4 stars; one submission).

Conditions:
Tuberous sclerosis 2 (TSC2). Identifiers: Orphanet 805, MedGen C1860707, MONDO:0013199, OMIM 613254.

Submission:

Labcorp Genetics (formerly Invitae), Labcorp
Classification: Uncertain significance for Tuberous sclerosis 2. Last evaluated: 2022-10-08. Review status: criteria provided, single submitter. Criteria: Invitae Variant Classification Sherloc (09022015). Collection method: clinical testing. Allele origin: germline.
Comment: In summary, the available evidence is currently insufficient to determine the role of this variant in disease. Therefore, it has been classified as a Variant of Uncertain Significance. This sequence change replaces valine, which is neutral and non-polar, with glycine, which is neutral and non-polar, at codon 355 of the TSC2 protein (p.Val355Gly). This variant is not present in population databases (gnomAD no frequency). This variant has not been reported in the literature in individuals affected with TSC2-related conditions. Advanced modeling of protein sequence and biophysical properties (such as structural, functional, and spatial information, amino acid conservation, physicochemical variation, residue mobility, and thermodynamic stability) performed at Invitae indicates that this missense variant is not expected to disrupt TSC2 protein function.

NM_000548.5(TSC2):c.1064T>G (p.Val355Gly)

Gene: TSC2 (TSC complex subunit 2; plus strand). Cytogenetic location: 16p13.3.
Variant type: single nucleotide variant.
Coding change: c.1064T>G on transcript NM_000548.5 (MANE Select); coding-DNA position 1064, T replaced by G.
Protein change: p.Val355Gly; replaces valine 355 with glycine.
Molecular consequence: missense variant.
Genome position (GRCh38, 1-based): chr16:2,060,758, T>G. VCF-style: chr16-2060758-T-G. GRCh37 (hg19) VCF-style: chr16-2110759-T-G.
Other names: c.1052T>G, p.Val351Gly (NM_001406673.1, NM_001406671.1); c.917T>G, p.Val306Gly (NM_001406675.1, NM_001406676.1, NM_001406679.1 and 1 more transcripts); c.1007T>G, p.Val336Gly (NM_001406677.1); c.953T>G, p.Val318Gly (NM_001406678.1, NM_001318827.2, NM_001406670.1); c.464T>G, p.Val155Gly (NM_001406680.1, NM_001406682.1, NM_001406683.1 and 6 more transcripts); c.602T>G, p.Val201Gly (NM_001406681.1); c.1064T>G, p.Val355Gly (NM_001077183.3, NM_001114382.3, NM_001363528.2 and 6 more transcripts); c.1097T>G, p.Val366Gly (NM_001318832.2); and 4 more; short protein forms V155G, V201G, V306G, V318G, V336G, V351G, V355G, V366G.
Identifiers: ClinVar variation 1721227 (VCV001721227.5), dbSNP rs2548521939, ClinGen allele CA394317937.
Genomic context (GRCh38, chr16:2,060,758, plus strand): 5'-CCTATGAGATCGTCCTGTCCATCACCAGGCTCATCAAGAAGTATAGGAAGGAGCTCCAGG[T>G]GGTGGCGTGGGACATTCTGCTGAACATCATCGAACGGCTCCTTCAGCAGCTCCAGGTGGG-3'
Protein context (NP_000539.2, residues 345-365): LIKKYRKELQ[Val355Gly]VAWDILLNII